The following is an entry in ClinVar:

NM_021072.4(HCN1):c.1460T>C (p.Met487Thr)

Gene: HCN1 (hyperpolarization activated cyclic nucleotide gated potassium channel 1; minus strand). Cytogenetic location: 5p12.
Variant type: single nucleotide variant.
Coding change: c.1460T>C on transcript NM_021072.4 (MANE Select); coding-DNA position 1460, T replaced by C.
Protein change: p.Met487Thr; replaces methionine 487 with threonine.
Molecular consequence: missense variant.
Genome position (GRCh38, 1-based): chr5:45,303,757, A>G on the plus strand (T>C on the coding strand, the complement: HCN1 is on the minus strand). VCF-style: chr5-45303757-A-G. GRCh37 (hg19) VCF-style: chr5-45303859-A-G.
Other names: p.Met487Thr; short protein forms M487T.
Identifiers: ClinVar variation 1806449 (VCV001806449.3), dbSNP rs2478271890, ClinGen allele CA359702677.

ClinVar aggregate classification (germline): Uncertain significance (1 of 4 stars; one submission).

Conditions:
Generalized epilepsy with febrile seizures plus, type 10. Also called: GEFS+, TYPE 10. Identifiers: MedGen C5193120, MONDO:0032777, OMIM 618482.

Submission:

Foundation for Research in Genetics and Endocrinology, FRIGE's Institute of Human Genetics
Classification: Uncertain significance for Generalized epilepsy with febrile seizures plus, type 10. Last evaluated: 2021-06-07. Review status: criteria provided, single submitter. Criteria: ACMG Guidelines, 2015. Collection method: research. Allele origin: maternal. Inheritance: Autosomal dominant inheritance. Affected: yes. Observed: 1 heterozygote.
Comment: A heterozygous missense variation in exon 6 of the HCN1 gene that results in the amino acid substitution of Threonine for Methionine at codon 487 was detected. The observed variant c.1460T>C (p.Met487Thr) has not been reported in the 1000 genomes and gnomAD databases. The in silico prediction of the variant are possibly damaging by PolyPhen-2 (HumDiv), and damaging by SIFT, LRT and MutationTaster2. The reference codon is conserved across species. In summary, the variant meets our criteria to be classified as a variant of uncertain significance.